The following is an entry in ClinVar:

ClinVar aggregate classification (germline): Uncertain significance (1 of 4 stars; one submission).

Submission:

GeneDx
Classification: Uncertain significance. Last evaluated: 2026-04-16. Review status: criteria provided, single submitter. Criteria: GeneDx Variant Classification Process June 2021. Collection method: clinical testing. Allele origin: germline.
Comment: Not observed at significant frequency in large population cohorts (gnomAD); In silico analysis suggests that this missense variant does not alter protein structure/function; Has not been previously published as pathogenic or benign to our knowledge

NM_030632.3(ASXL3):c.4580C>T (p.Pro1527Leu)

Gene: ASXL3 (ASXL transcriptional regulator 3; plus strand). Cytogenetic location: 18q12.1.
Variant type: single nucleotide variant.
Coding change: c.4580C>T on transcript NM_030632.3 (MANE Select); coding-DNA position 4580, C replaced by T.
Protein change: p.Pro1527Leu; replaces proline 1527 with leucine.
Molecular consequence: missense variant.
Genome position (GRCh38, 1-based): chr18:33,744,428, C>T. VCF-style: chr18-33744428-C-T. GRCh37 (hg19) VCF-style: chr18-31324392-C-T.
Other names: short protein forms P1527L.
Identifiers: ClinVar variation 2576664 (VCV002576664.2), dbSNP rs2067730286, ClinGen allele CA402191234.